The following is an entry in ClinVar:

NM_020937.4(FANCM):c.1454T>C (p.Phe485Ser)

Gene: FANCM (FA complementation group M; plus strand). Cytogenetic location: 14q21.2.
Variant type: single nucleotide variant.
Coding change: c.1454T>C on transcript NM_020937.4 (MANE Select); coding-DNA position 1454, T replaced by C.
Protein change: p.Phe485Ser; replaces phenylalanine 485 with serine.
Molecular consequence: missense variant.
Genome position (GRCh38, 1-based): chr14:45,159,153, T>C. VCF-style: chr14-45159153-T-C. GRCh37 (hg19) VCF-style: chr14-45628356-T-C.
Other names: c.1376T>C, p.Phe459Ser (NM_001308133.2); c.1454T>C, p.Phe485Ser (NM_001308134.2); short protein forms F459S, F485S.
Identifiers: ClinVar variation 3848605 (VCV003848605.1).

ClinVar aggregate classification (germline): Uncertain significance (1 of 4 stars; one submission).

Conditions:
Inborn genetic diseases. Identifiers: MedGen C0950123, MeSH D030342.

Submission:

Ambry Genetics
Classification: Uncertain significance for Inborn genetic diseases. Last evaluated: 2025-01-11. Review status: criteria provided, single submitter. Criteria: Ambry Variant Classification Scheme 2023. Collection method: clinical testing. Allele origin: germline.
Comment: The p.F485S variant (also known as c.1454T>C), located in coding exon 9 of the FANCM gene, results from a T to C substitution at nucleotide position 1454. The phenylalanine at codon 485 is replaced by serine, an amino acid with highly dissimilar properties. This amino acid position is conserved. In addition, this alteration is predicted to be tolerated by in silico analysis. Based on the available evidence, the clinical significance of this variant remains unclear.